The following is an entry in ClinVar:

ClinVar aggregate classification (germline): Likely pathogenic (1 of 4 stars; one submission).

Conditions:
Glycogen storage disease, type V (GSD5). Also called: MCARDLE DISEASE; MUSCLE GLYCOGEN PHOSPHORYLASE DEFICIENCY; MYOPHOSPHORYLASE DEFICIENCY; PYGM DEFICIENCY; McArdle type glycogen storage disease. Identifiers: Orphanet 368, MedGen C0017924, MONDO:0009293, OMIM 232600.

gnomAD v4.1: 1 of 1,614,084 alleles (0.000062%); no homozygotes.

Submission:

Women's Health and Genetics/Laboratory Corporation of America, LabCorp
Classification: Likely pathogenic for Glycogen storage disease, type V. Last evaluated: 2024-11-06. Review status: criteria provided, single submitter. Criteria: LabCorp Variant Classification Summary - May 2015. Collection method: clinical testing. Allele origin: germline.
Comment: Variant summary: PYGM c.2313-2A>G is located in a canonical splice-site and is predicted to affect mRNA splicing resulting in a significantly altered protein due to either exon skipping, shortening, or inclusion of intronic material. Variants that disrupt the consensus splice site are a relatively common cause of aberrant splicing and loss of PYGM function. Several computational tools predict a significant impact on normal splicing: Four predict the variant abolishes a 3' acceptor site. However, these predictions have yet to be confirmed by functional studies. The variant was absent in 251456 control chromosomes. To our knowledge, no occurrence of c.2313-2A>G in individuals affected with Glycogen Storage Disease, Type V and no experimental evidence demonstrating its impact on protein function have been reported. No submitters have cited clinical-significance assessments for this variant to ClinVar. Based on the evidence outlined above, the variant was classified as likely pathogenic.

NM_005609.4(PYGM):c.2313-2A>G

Gene: PYGM (glycogen phosphorylase, muscle associated; minus strand). Cytogenetic location: 11q13.1.
Variant type: single nucleotide variant.
Coding change: c.2313-2A>G on transcript NM_005609.4 (MANE Select); the canonical splice acceptor site of the intron before coding-DNA position 2313, A replaced by G.
Molecular consequence: splice acceptor variant.
Genome position (GRCh38, 1-based): chr11:64,746,989, T>C on the plus strand (A>G on the coding strand, the complement: PYGM is on the minus strand). VCF-style: chr11-64746989-T-C. GRCh37 (hg19) VCF-style: chr11-64514461-T-C.
Other names: c.2049-2A>G (NM_001164716.1).
Identifiers: ClinVar variation 3629788 (VCV003629788.1).